The following is an entry in ClinVar:

ClinVar aggregate classification (germline): Likely benign. Review status: criteria provided, multiple submitters, no conflicts (2 of 4 stars). 5 submissions from 5 submitters: Likely benign (4). 1 of the submissions does not count toward it. Last evaluated 2025-12-23.

Conditions:
ACTG1-related disorder. Also called: ACTG1-related disorders; ACTG1-related condition.
Autosomal dominant nonsyndromic hearing loss 20. Identifiers: Orphanet 90635, MedGen C1858172, MONDO:0011480, OMIM 604717.
Baraitser-winter syndrome 2. Identifiers: Orphanet 2995, MedGen C3281235, MONDO:0013812, OMIM 614583.

Allele frequency attached by ClinVar (database versions not stated): ExAC 0.00006; gnomAD exomes 0.00008; TOPMed 0.00016; gnomAD 0.00029 and 0.00031; 1000 Genomes Project 30x 0.00031; 1000 Genomes Project 0.00040.
gnomAD v4.1: 168 of 1,612,248 alleles (0.01%); highest among the groups gnomAD compares: Admixed American, 0.07%; no homozygotes.

Submissions (5):

Labcorp Genetics (formerly Invitae), Labcorp
Classification: Likely benign for Baraitser-winter syndrome 2; Autosomal dominant nonsyndromic hearing loss 20. Last evaluated: 2025-12-23. Review status: criteria provided, single submitter. Criteria: Invitae Variant Classification Sherloc (09022015). Collection method: clinical testing. Allele origin: germline.

Blueprint Genetics
Classification: Likely benign. Last evaluated: 2022-04-07. Review status: criteria provided, single submitter. Criteria: ACMG Guidelines, 2015. Collection method: clinical testing. Allele origin: germline.

GeneDx
Classification: Likely benign. Last evaluated: 2020-10-03. Review status: criteria provided, single submitter. Criteria: GeneDx Variant Classification Process June 2021. Collection method: clinical testing. Allele origin: germline. Affected: yes.

Laboratory for Molecular Medicine, Mass General Brigham Personalized Medicine
Classification: Likely benign. Last evaluated: 2014-12-06. Review status: criteria provided, single submitter. Criteria: LMM Criteria. Collection method: clinical testing. Allele origin: germline. Observed: 2 variant alleles.
Comment: c.364-8C>T in intron 3 of ACTG1: This variant is not expected to have clinical s ignificance because a C>T change at this position does not diverge from the spli ce consensus sequence and is therefore unlikely to impact splicing. It has been identified in 0.9% (1/110) of Puerto Ricans by the 1000 genomes Project and has been reported in 3/9738 African chromosomes and 4/64902 European chromosomes by the Exome Aggregation Consortium (dbSNP rs201748 657).

PreventionGenetics, part of Exact Sciences
Classification: Likely benign for ACTG1-related condition. Last evaluated: 2021-05-26. Review status: no assertion criteria provided. Collection method: clinical testing. Allele origin: germline. Not counted in ClinVar's aggregate classification.
Comment: This variant is classified as likely benign based on ACMG/AMP sequence variant interpretation guidelines (Richards et al. 2015 PMID: 25741868, with internal and published modifications).

NM_001614.5(ACTG1):c.364-8C>T

Gene: ACTG1 (actin gamma 1; minus strand). Cytogenetic location: 17q25.3.
Variant type: single nucleotide variant.
Coding change: c.364-8C>T on transcript NM_001614.5 (MANE Select); 8 bases into the intron before coding-DNA position 364, C replaced by T.
Molecular consequence: intron variant.
Genome position (GRCh38, 1-based): chr17:81,511,634, G>A on the plus strand (C>T on the coding strand, the complement: ACTG1 is on the minus strand). VCF-style: chr17-81511634-G-A. GRCh37 (hg19) VCF-style: chr17-79478660-G-A.
Other names: c.364-8C>T (NM_001199954.3).
Identifiers: ClinVar variation 180117 (VCV000180117.18), dbSNP rs201748657, ClinGen allele CA185849.